The following is an entry in ClinVar:

ClinVar aggregate classification (germline): Uncertain significance (1 of 4 stars; one submission).

Allele frequency attached by ClinVar (database versions not stated): gnomAD exomes below 0.00001; TOPMed below 0.00001.
gnomAD v4.1: 1 of 1,614,150 alleles (0.000062%); highest among the groups gnomAD compares: East Asian, 0.0022%; no homozygotes.

Submission:

Ambry Genetics
Classification: Uncertain significance. Last evaluated: 2024-06-20. Review status: criteria provided, single submitter. Criteria: Ambry Variant Classification Scheme 2023. Collection method: clinical testing. Allele origin: germline.
Comment: The p.Y133D variant (also known as c.397T>G), located in coding exon 1 of the PALLD gene, results from a T to G substitution at nucleotide position 397. The tyrosine at codon 133 is replaced by aspartic acid, an amino acid with highly dissimilar properties. This amino acid position is conserved. In addition, the in silico prediction for this alteration is inconclusive. Since supporting evidence is limited at this time, the clinical significance of this alteration remains unclear.

NM_001166108.2(PALLD):c.397T>G (p.Tyr133Asp)

Gene: PALLD (palladin, cytoskeletal associated protein; plus strand). Cytogenetic location: 4q32.3.
Variant type: single nucleotide variant.
Coding change: c.397T>G on transcript NM_001166108.2 (MANE Select); coding-DNA position 397, T replaced by G.
Protein change: p.Tyr133Asp; replaces tyrosine 133 with aspartic acid.
Molecular consequence: missense variant.
Genome position (GRCh38, 1-based): chr4:168,511,901, T>G. VCF-style: chr4-168511901-T-G. GRCh37 (hg19) VCF-style: chr4-169433052-T-G.
Other names: c.397T>G, p.Tyr133Asp (NM_016081.4); short protein forms Y133D.
Identifiers: ClinVar variation 1736696 (VCV001736696.3), dbSNP rs1313988621, ClinGen allele CA358725803.